The following is an entry in ClinVar:

ClinVar aggregate classification (germline): Pathogenic (1 of 4 stars; one submission).

Conditions:
KBG syndrome (KBGS). Also called: ANKRD11-Related KBG Syndrome. Identifiers: Orphanet 2332, MedGen C0220687, MONDO:0007846, OMIM 148050.

Submission:

Labcorp Genetics (formerly Invitae), Labcorp
Classification: Pathogenic for KBG syndrome. Last evaluated: 2021-10-19. Review status: criteria provided, single submitter. Criteria: Invitae Variant Classification Sherloc (09022015). Collection method: clinical testing. Allele origin: germline.
Comment: This sequence change creates a premature translational stop signal (p.Glu190*) in the ANKRD11 gene. It is expected to result in an absent or disrupted protein product. Loss-of-function variants in ANKRD11 are known to be pathogenic (PMID: 21782149, 25125236, 25413698, 25652421). This variant is not present in population databases (ExAC no frequency). This variant has not been reported in the literature in individuals affected with ANKRD11-related conditions. For these reasons, this variant has been classified as Pathogenic.

Literature cited by the submitters: PubMed 21782149; PubMed 25125236; PubMed 25413698; PubMed 25652421.

NM_013275.6(ANKRD11):c.568G>T (p.Glu190Ter)

Gene: ANKRD11 (ankyrin repeat domain 11; minus strand). Cytogenetic location: 16q24.3.
Variant type: single nucleotide variant.
Coding change: c.568G>T on transcript NM_013275.6 (MANE Select); coding-DNA position 568, G replaced by T.
Protein change: p.Glu190Ter; replaces glutamic acid 190 with a stop codon.
Molecular consequence: nonsense. On other transcripts: non-coding transcript variant (1).
Genome position (GRCh38, 1-based): chr16:89,290,658, C>A on the plus strand (G>T on the coding strand, the complement: ANKRD11 is on the minus strand). VCF-style: chr16-89290658-C-A. GRCh37 (hg19) VCF-style: chr16-89357066-C-A.
Other names: c.568G>T, p.Glu190Ter (NM_001256182.2, NM_001256183.2); short protein forms E190*.
Identifiers: ClinVar variation 1453315 (VCV001453315.6), dbSNP rs2151796546, ClinGen allele CA397167174.